The following is an entry in ClinVar:

NC_000002.11:g.(?_232952187)_(233201340_?)del

Gene: DIS3L2 (DIS3 like 3'-5' exoribonuclease 2; plus strand). Cytogenetic location: 2q37.1.
Variant type: Deletion.
Identifiers: ClinVar variation 2427367 (VCV002427367.4).

ClinVar aggregate classification (germline): Pathogenic (1 of 4 stars; one submission).

Conditions:
Perlman syndrome (PRLMNS). Identifiers: Orphanet 2849, MedGen C0796113, MONDO:0009965, OMIM 267000.

Submission:

Labcorp Genetics (formerly Invitae), Labcorp
Classification: Pathogenic for Perlman syndrome. Last evaluated: 2021-12-17. Review status: criteria provided, single submitter. Criteria: Invitae Variant Classification Sherloc (09022015). Collection method: clinical testing. Allele origin: germline.
Comment: For these reasons, this variant has been classified as Pathogenic. This variant disrupts a region of the DIS3L2 protein in which other variant(s) (deletion of exon 9) have been determined to be pathogenic (PMID: 22306653, 23486540). This suggests that this is a clinically significant region of the protein, and that variants that disrupt it are likely to be disease-causing. This variant has not been reported in the literature in individuals affected with DIS3L2-related conditions. This variant is a gross deletion of the genomic region encompassing exon(s) 6-21 of the DIS3L2 gene, which includes the termination codon. This deletion extends beyond the assayed region for this gene and therefore may encompass additional genes. While this deletion is not anticipated to lead to nonsense mediated decay, it is expected to alter mRNA translation or result in a truncated protein product.

Literature cited by the submitters: PubMed 22306653; PubMed 23486540.